The following is an entry in ClinVar:

NM_019594.4(LRRC8A):c.1724A>G (p.Asn575Ser)

Gene: LRRC8A (leucine rich repeat containing 8 VRAC subunit A; plus strand). Cytogenetic location: 9q34.11.
Variant type: single nucleotide variant.
Coding change: c.1724A>G on transcript NM_019594.4 (MANE Select); coding-DNA position 1724, A replaced by G.
Protein change: p.Asn575Ser; replaces asparagine 575 with serine.
Molecular consequence: missense variant.
Genome position (GRCh38, 1-based): chr9:128,908,888, A>G. VCF-style: chr9-128908888-A-G. GRCh37 (hg19) VCF-style: chr9-131671167-A-G.
Other names: c.1724A>G, p.Asn575Ser (NM_001127244.2, NM_001127245.2); short protein forms N575S.
Identifiers: ClinVar variation 3626064 (VCV003626064.2).

ClinVar aggregate classification (germline): Uncertain significance (1 of 4 stars; one submission).

gnomAD v4.1: 8 of 1,613,802 alleles (0.0005%); highest among the groups gnomAD compares: African/African-American, 0.008%; no homozygotes.

Submission:

Labcorp Genetics (formerly Invitae), Labcorp
Classification: Uncertain significance. Last evaluated: 2025-08-03. Review status: criteria provided, single submitter. Criteria: Invitae Variant Classification Sherloc (09022015). Collection method: clinical testing. Allele origin: germline.
Comment: This sequence change replaces asparagine, which is neutral and polar, with serine, which is neutral and polar, at codon 575 of the LRRC8A protein (p.Asn575Ser). This variant is present in population databases (no rsID available, gnomAD 0.01%). This variant has not been reported in the literature in individuals affected with LRRC8A-related conditions. ClinVar contains an entry for this variant (Variation ID: 3626064). An algorithm developed to predict the effect of missense changes on protein structure and function (PolyPhen-2) suggests that this variant is likely to be disruptive. In summary, the available evidence is currently insufficient to determine the role of this variant in disease. Therefore, it has been classified as a Variant of Uncertain Significance.